The following is an entry in ClinVar:

NM_016156.6(MTMR2):c.16A>T (p.Ser6Cys)

Gene: MTMR2 (myotubularin related protein 2; minus strand). Cytogenetic location: 11q21.
Variant type: single nucleotide variant.
Coding change: c.16A>T on transcript NM_016156.6 (MANE Select); coding-DNA position 16, A replaced by T.
Protein change: p.Ser6Cys; replaces serine 6 with cysteine.
Molecular consequence: missense variant. On other transcripts: 5 prime UTR variant (3).
Genome position (GRCh38, 1-based): chr11:95,923,939, T>A on the plus strand (A>T on the coding strand, the complement: MTMR2 is on the minus strand). VCF-style: chr11-95923939-T-A. GRCh37 (hg19) VCF-style: chr11-95657103-T-A.
Other names: c.-468A>T (NM_001243571.2); c.-395A>T (NM_201278.3); c.-272A>T (NM_201281.3); short protein forms S6C.
Identifiers: ClinVar variation 476870 (VCV000476870.17), dbSNP rs377006678, ClinGen allele CA6240497.

ClinVar aggregate classification (germline): Conflicting classifications of pathogenicity. Review status: criteria provided, conflicting classifications (1 of 4 stars). 6 submissions from 6 submitters: Uncertain significance (5); Benign (1). Last evaluated 2026-06-02.

Conditions:
Charcot-Marie-Tooth disease type 4. Also called: Charcot-Marie-Tooth disease, type IV; Charcot-Marie-Tooth, Type 4. Identifiers: Orphanet 64749, MedGen C4082197, MONDO:0018995.
Charcot-Marie-Tooth disease type 4B1. Also called: CHARCOT-MARIE-TOOTH DISEASE, DEMYELINATING, TYPE 4B1; CHARCOT-MARIE-TOOTH DISEASE, AUTOSOMAL RECESSIVE, WITH FOCALLY FOLDED MYELIN SHEATHS, AUTOSOMAL RECESSIVE, TYPE 4B1; CHARCOT-MARIE-TOOTH DISEASE, TYPE 4B; Charcot-Marie-Tooth Neuropathy Type 4B1. Identifiers: Orphanet 99955, MedGen C1832399, MONDO:0011066, OMIM 601382.
Charcot-Marie-Tooth disease. Also called: Charcot-Marie-Tooth Neuropathy; Charcot-Marie-Tooth Hereditary Neuropathy. Identifiers: Orphanet 166, MedGen C0007959, MONDO:0015626.
Inborn genetic diseases. Identifiers: MedGen C0950123, MeSH D030342.

Allele frequency attached by ClinVar (database versions not stated): gnomAD exomes 0.00020 and 0.00009; gnomAD 0.00012 and 0.00014; ExAC 0.00034; ESP Exome Variant Server 0.00008; TOPMed 0.00017.
gnomAD v4.1: 148 of 1,560,562 alleles (0.0095%); highest among the groups gnomAD compares: Middle Eastern, 0.17%; 1 homozygote.

Submissions (6):

GeneDx
Classification: Uncertain significance. Last evaluated: 2026-06-02. Review status: criteria provided, single submitter. Criteria: GeneDx Variant Classification Process June 2021. Collection method: clinical testing. Allele origin: germline.
Comment: In silico analysis suggests that this missense variant does not alter protein structure/function; Has not been previously published as pathogenic or benign to our knowledge

Ambry Genetics
Classification: Uncertain significance for Inborn genetic diseases. Last evaluated: 2023-08-04. Review status: criteria provided, single submitter. Criteria: Ambry Variant Classification Scheme 2023. Collection method: clinical testing. Allele origin: germline.

Labcorp Genetics (formerly Invitae), Labcorp
Classification: Uncertain significance for Charcot-Marie-Tooth disease type 4. Last evaluated: 2022-10-18. Review status: criteria provided, single submitter. Criteria: Invitae Variant Classification Sherloc (09022015). Collection method: clinical testing. Allele origin: germline.
Comment: This sequence change replaces serine, which is neutral and polar, with cysteine, which is neutral and slightly polar, at codon 6 of the MTMR2 protein (p.Ser6Cys). This variant is present in population databases (rs377006678, gnomAD 0.1%). This variant has not been reported in the literature in individuals affected with MTMR2-related conditions. ClinVar contains an entry for this variant (Variation ID: 476870). Algorithms developed to predict the effect of missense changes on protein structure and function are either unavailable or do not agree on the potential impact of this missense change (SIFT: "Deleterious"; PolyPhen-2: "Benign"; Align-GVGD: "Class C0"). In summary, the available evidence is currently insufficient to determine the role of this variant in disease. Therefore, it has been classified as a Variant of Uncertain Significance.

Athena Diagnostics
Classification: Uncertain significance. Last evaluated: 2019-05-09. Review status: criteria provided, single submitter. Criteria: Athena Diagnostics Criteria. Collection method: clinical testing. Allele origin: germline.

Illumina Laboratory Services, Illumina
Classification: Benign for Charcot-Marie-Tooth disease type 4B1. Last evaluated: 2018-03-26. Review status: criteria provided, single submitter. Criteria: ICSL Variant Classification Criteria 13 December 2019. Collection method: clinical testing. Allele origin: germline.
Comment: This variant was observed in the ICSL laboratory as part of a predisposition screen in an ostensibly healthy population. It had not been previously curated by ICSL or reported in the Human Gene Mutation Database (HGMD: prior to June 1st, 2018), and was therefore a candidate for classification through an automated scoring system. Utilizing variant allele frequency, disease prevalence and penetrance estimates, and inheritance mode, an automated score was calculated to assess if this variant is too frequent to cause the disease. Based on the score and internal cut-off values, a variant classified as benign is not then subjected to further curation. The score for this variant resulted in a classification of benign for this disease.

Molecular Genetics Laboratory, London Health Sciences Centre
Classification: Uncertain significance for Charcot-Marie-Tooth disease. Review status: criteria provided, single submitter. Criteria: ACMG Guidelines, 2015. Collection method: clinical testing. Allele origin: germline. Affected: yes.